The following is an entry in ClinVar:

ClinVar aggregate classification (germline): Uncertain significance (1 of 4 stars; one submission).

Conditions:
Dyskeratosis congenita, autosomal recessive 6 (DKCB6). Identifiers: MedGen C4225356, MONDO:0014600, OMIM 616353.
Pulmonary fibrosis and/or bone marrow failure, Telomere-related, 4. Also called: PULMONARY FIBROSIS AND/OR BONE MARROW FAILURE SYNDROME, TELOMERE-RELATED, 4. Identifiers: Orphanet 2032, MedGen C4225347, MONDO:0014612, OMIM 616371.

Submission:

Labcorp Genetics (formerly Invitae), Labcorp
Classification: Uncertain significance for Dyskeratosis congenita, autosomal recessive 6; Pulmonary fibrosis and/or bone marrow failure, Telomere-related, 4. Last evaluated: 2022-03-24. Review status: criteria provided, single submitter. Criteria: Invitae Variant Classification Sherloc (09022015). Collection method: clinical testing. Allele origin: germline.
Comment: In summary, the available evidence is currently insufficient to determine the role of this variant in disease. Therefore, it has been classified as a Variant of Uncertain Significance. This sequence change replaces arginine, which is basic and polar, with leucine, which is neutral and non-polar, at codon 349 of the PARN protein (p.Arg349Leu). This variant is not present in population databases (gnomAD no frequency). This variant has not been reported in the literature in individuals affected with PARN-related conditions. Algorithms developed to predict the effect of missense changes on protein structure and function (SIFT, PolyPhen-2, Align-GVGD) all suggest that this variant is likely to be tolerated.

NM_002582.4(PARN):c.1046G>T (p.Arg349Leu)

Gene: PARN (poly(A)-specific ribonuclease; minus strand). Cytogenetic location: 16p13.12.
Variant type: single nucleotide variant.
Coding change: c.1046G>T on transcript NM_002582.4 (MANE Select); coding-DNA position 1046, G replaced by T.
Protein change: p.Arg349Leu; replaces arginine 349 with leucine.
Molecular consequence: missense variant.
Genome position (GRCh38, 1-based): chr16:14,584,382, C>A on the plus strand (G>T on the coding strand, the complement: PARN is on the minus strand). VCF-style: chr16-14584382-C-A. GRCh37 (hg19) VCF-style: chr16-14678239-C-A.
Other names: c.863G>T, p.Arg288Leu (NM_001134477.3); c.908G>T, p.Arg303Leu (NM_001242992.2); short protein forms R303L, R288L, R349L.
Identifiers: ClinVar variation 2107226 (VCV002107226.4), dbSNP rs201053607, ClinGen allele CA394802865.